The following is an entry in ClinVar:

ClinVar aggregate classification (germline): Likely pathogenic (1 of 4 stars; one submission).

Conditions:
Muscular dystrophy, limb-girdle, autosomal recessive 23. Identifiers: Orphanet 565837, MedGen C4748327, MONDO:0029136, OMIM 618138.

Submission:

3billion
Classification: Likely pathogenic for Muscular dystrophy, limb-girdle, autosomal recessive 23. Last evaluated: 2023-02-23. Review status: criteria provided, single submitter. Criteria: ACMG Guidelines, 2015. Collection method: clinical testing. Allele origin: unknown. Affected: yes.
Comment: The variant is not observed in the gnomAD v2.1.1 dataset. This variant was predicted to result in a loss or disruption of normal protein function through nonsense-mediated decay (NMD) or protein truncation. Multiple pathogenic variants are reported downstream of the variant. Therefore, this variant is classified as Likely pathogenic according to the recommendation of ACMG/AMP guideline.

NM_000426.4(LAMA2):c.8312dup (p.Asn2771fs)

Genes: LAMA2 (laminin subunit alpha 2; plus strand), LOC126859784 (CDK7 strongly-dependent group 2 enhancer GRCh37_chr6:129822854-129824053; plus strand). Cytogenetic location: 6q22.33.
Variant type: Duplication.
Coding change: c.8312dup on transcript NM_000426.4 (MANE Select); coding-DNA position 8312, one base duplicated (A; older notation c.8312dupA).
Protein change: p.Asn2771fs; shifts the reading frame from asparagine 2771.
Molecular consequence: frameshift variant.
Genome position (GRCh38, 1-based): chr6:129,502,726, A duplicated; the last of 3 consecutive A bases (chr6:129,502,724-129,502,726); duplicating any one gives the same sequence. VCF-style (leftmost placement, unchanged base first): chr6-129502723-G-GA. GRCh37 (hg19) VCF-style: chr6-129823868-G-GA.
Other names: c.8300dup, p.Asn2767fs (NM_001079823.2); short protein forms N2767fs, N2771fs.
Identifiers: ClinVar variation 2444255 (VCV002444255.1), dbSNP rs2533535442, ClinGen allele CA2580075010.
Genomic context (GRCh38, chr6:129,502,723, plus strand): 5'-CTTGTGCTGCAGAATCAGAACCAGCTCTTTTGATAGGGAGCAAGCAGTTCGGGCTTTCAA[G>GA]AAACAGTCACATTGCAATTGCATTTGATGACACCAAAGTTAAAAACCGGTATGTATCATC-3'